The following is an entry in ClinVar:

ClinVar aggregate classification (germline): Conflicting classifications of pathogenicity. Review status: criteria provided, conflicting classifications (1 of 4 stars). 2 submissions from 2 submitters: Uncertain significance (1); Likely benign (1). Last evaluated 2025-08-23.

Allele frequency attached by ClinVar (database versions not stated): ExAC 0.00003; 1000 Genomes Project 0.00020; 1000 Genomes Project 30x 0.00031.
gnomAD v4.1: 28 of 1,605,584 alleles (0.0017%); highest among the groups gnomAD compares: South Asian, 0.0056%; no homozygotes.

Submissions (2):

Ambry Genetics
Classification: Likely benign. Last evaluated: 2025-08-23. Review status: criteria provided, single submitter. Criteria: Ambry Variant Classification Scheme 2023. Collection method: clinical testing. Allele origin: germline.

Labcorp Genetics (formerly Invitae), Labcorp
Classification: Uncertain significance. Last evaluated: 2024-03-01. Review status: criteria provided, single submitter. Criteria: Invitae Variant Classification Sherloc (09022015). Collection method: clinical testing. Allele origin: germline.
Comment: This sequence change replaces threonine, which is neutral and polar, with methionine, which is neutral and non-polar, at codon 489 of the POLE2 protein (p.Thr489Met). This variant is present in population databases (rs546224864, gnomAD 0.01%). This variant has not been reported in the literature in individuals affected with POLE2-related conditions. ClinVar contains an entry for this variant (Variation ID: 2041430). Algorithms developed to predict the effect of missense changes on protein structure and function output the following: SIFT: "Not Available"; PolyPhen-2: "Benign"; Align-GVGD: "Not Available". The methionine amino acid residue is found in multiple mammalian species, which suggests that this missense change does not adversely affect protein function. In summary, the available evidence is currently insufficient to determine the role of this variant in disease. Therefore, it has been classified as a Variant of Uncertain Significance.

NM_002692.4(POLE2):c.1466C>T (p.Thr489Met)

Gene: POLE2 (DNA polymerase epsilon 2, accessory subunit; minus strand). Cytogenetic location: 14q21.3.
Variant type: single nucleotide variant.
Coding change: c.1466C>T on transcript NM_002692.4 (MANE Select); coding-DNA position 1466, C replaced by T.
Protein change: p.Thr489Met; replaces threonine 489 with methionine.
Molecular consequence: missense variant.
Genome position (GRCh38, 1-based): chr14:49,650,296, G>A on the plus strand (C>T on the coding strand, the complement: POLE2 is on the minus strand). VCF-style: chr14-49650296-G-A. GRCh37 (hg19) VCF-style: chr14-50117014-G-A.
Other names: c.1466C>T (NM_002692.3); c.1388C>T, p.Thr463Met (NM_001197330.2); c.1466C>T, p.Thr489Met (NM_001197331.3); c.1463C>T, p.Thr488Met (NM_001348384.2); c.1235C>T, p.Thr412Met (NM_001348385.2); short protein forms T463M, T488M, T412M, T489M.
Identifiers: ClinVar variation 2041430 (VCV002041430.5), dbSNP rs546224864, ClinGen allele CA7173269.
Genomic context (GRCh38, chr14:49,650,296, plus strand): 5'-TGACTATATAAGATTAACTACATTCTTACAGGGTTTATGCAGAGGCATTCGGTATTTGTC[G>A]TAGTGAAAGGATCATATTTGTCTGCAATGACAAGTAGATCGGGCACAGGATACACTCTCA-3'
Protein context (NP_002683.2, residues 479-499): VIADKYDPFT[Thr489Met]TNTECLCINP